The following is an entry in ClinVar:

ClinVar aggregate classification (germline): Benign. Review status: criteria provided, multiple submitters, no conflicts (2 of 4 stars). 2 submissions from 2 submitters: Benign (2). Last evaluated 2021-06-19.

Allele frequency attached by ClinVar (database versions not stated): 1000 Genomes Project 30x 0.04013; 1000 Genomes Project 0.04093; gnomAD 0.07528 and 0.07684.
gnomAD v4.1: 11,536 of 152,192 alleles (7.6%); highest among the groups gnomAD compares: Middle Eastern, 16%; 593 homozygotes.

Submissions (2):

GeneDx
Classification: Benign. Last evaluated: 2021-06-19. Review status: criteria provided, single submitter. Criteria: GeneDx Variant Classification Process June 2021. Collection method: clinical testing. Allele origin: germline. Affected: yes.
Comment: This variant is associated with the following publications: (PMID: 12402038, 18401354, 17999073, 15912506)

Breakthrough Genomics
Classification: Benign. Review status: criteria provided, single submitter. Criteria: ACMG Guidelines, 2015. Collection method: not provided. Allele origin: germline. Inheritance: Multifactorial inheritance. Affected: yes.

NM_005018.3(PDCD1):c.627+189G>A

Gene: PDCD1 (programmed cell death 1; minus strand). Cytogenetic location: 2q37.3.
Variant type: single nucleotide variant.
Coding change: c.627+189G>A on transcript NM_005018.3 (MANE Select); 189 bases into the intron after coding-DNA position 627, G replaced by A.
Molecular consequence: intron variant.
Genome position (GRCh38, 1-based): chr2:241,851,760, C>T on the plus strand (G>A on the coding strand, the complement: PDCD1 is on the minus strand). VCF-style: chr2-241851760-C-T. GRCh37 (hg19) VCF-style: chr2-242793912-C-T.
Identifiers: ClinVar variation 1265148 (VCV001265148.3), dbSNP rs11568821, ClinGen allele CA11105434.